The following is an entry in ClinVar:

NM_020911.2(PLXNA4):c.2538G>C (p.Leu846=)

Gene: PLXNA4 (plexin A4; minus strand). Cytogenetic location: 7q32.3.
Variant type: single nucleotide variant.
Coding change: c.2538G>C on transcript NM_020911.2 (MANE Select); coding-DNA position 2538, G replaced by C.
Protein change: p.Leu846=; no amino-acid change (leucine 846 retained).
Molecular consequence: synonymous variant.
Genome position (GRCh38, 1-based): chr7:132,202,694, C>G on the plus strand (G>C on the coding strand, the complement: PLXNA4 is on the minus strand). VCF-style: chr7-132202694-C-G. GRCh37 (hg19) VCF-style: chr7-131887453-C-G.
Other names: c.2538G>C, p.Leu846= (NM_001393897.1).
Identifiers: ClinVar variation 3356405 (VCV003356405.1).
Genomic context (GRCh38, chr7:132,202,694, plus strand): 5'-ACCCCGGCTTACCTCTGTGATGCGGGGGTTTGTGCACTTGCTTTTGGCACCAGACAGCTC[C>G]AGCCACTGGCTCTCCTGGGCAGGGCAGTGCTGGCGCAGGGTGCACTGGCCTGGGCCCTGG-3'
Protein context (NP_065962.1, residues 836-856): QHCPAQESQW[Leu846=]ELSGAKSKCT

ClinVar aggregate classification (germline): Likely benign (0 of 4 stars; one submission).

Conditions:
PLXNA4-related disorder. Also called: PLXNA4-related condition.

Submission:

PreventionGenetics, part of Exact Sciences
Classification: Likely benign for PLXNA4-related condition. Last evaluated: 2023-04-21. Review status: no assertion criteria provided. Collection method: clinical testing. Allele origin: germline.
Comment: This variant is classified as likely benign based on ACMG/AMP sequence variant interpretation guidelines (Richards et al. 2015 PMID: 25741868, with internal and published modifications).